The following is an entry in ClinVar:

NM_000520.6(HEXA):c.1091CTT[1] (p.Ser365del)

Gene: HEXA (hexosaminidase subunit alpha; minus strand). Cytogenetic location: 15q23.
Variant type: Microsatellite.
Coding change: c.1091CTT[1] on transcript NM_000520.6 (MANE Select); one copy of the 3-base unit CTT starting at c.1091; the reference has two copies in a row; one copy, 3 bases deleted.
Protein change: p.Ser365del; deletes serine 365.
Molecular consequence: inframe deletion.
Genome position (GRCh38, 1-based): chr15:72,347,736-72,347,738, AAG deleted on the plus strand (CTT on the coding strand, the reverse complement: HEXA is on the minus strand); deleting any 3 consecutive bases within chr15:72,347,736-72,347,742 gives the same sequence; the position shown is the placement nearest the transcript's 3' end. VCF-style (leftmost placement, unchanged base first): chr15-72347735-TAAG-T. GRCh37 (hg19) VCF-style: chr15-72640076-TAAG-T.
Other names: c.1124CTT[1], p.Ser376del (NM_001318825.2); short protein forms S365del, S376del.
Identifiers: ClinVar variation 2168928 (VCV002168928.3), dbSNP rs2088636297, ClinGen allele CA2186744266.

ClinVar aggregate classification (germline): Uncertain significance (1 of 4 stars; one submission).

Conditions:
Tay-Sachs disease (TSD). Also called: GM2 gangliosidosis, type 1; Hexosaminidase alpha-subunit deficiency (variant B); Sphingolipidosis, Tay-Sachs; Hexosaminidase A Deficiency; HEXA DEFICIENCY; HEXA Disorders. Identifiers: Orphanet 845, MedGen C0039373, MONDO:0010100, OMIM 272800.

Submission:

Labcorp Genetics (formerly Invitae), Labcorp
Classification: Uncertain significance for Tay-Sachs disease. Last evaluated: 2024-11-02. Review status: criteria provided, single submitter. Criteria: Invitae Variant Classification Sherloc (09022015). Collection method: clinical testing. Allele origin: germline.
Comment: This variant, c.1094_1096del, results in the deletion of 1 amino acid(s) of the HEXA protein (p.Ser365del), but otherwise preserves the integrity of the reading frame. This variant is not present in population databases (gnomAD no frequency). This variant has not been reported in the literature in individuals affected with HEXA-related conditions. Experimental studies and prediction algorithms are not available or were not evaluated, and the functional significance of this variant is currently unknown. In summary, the available evidence is currently insufficient to determine the role of this variant in disease. Therefore, it has been classified as a Variant of Uncertain Significance.